The following is an entry in ClinVar:

ClinVar aggregate classification (germline): Uncertain significance (1 of 4 stars; one submission).

Submission:

GeneDx
Classification: Uncertain significance. Last evaluated: 2018-01-16. Review status: criteria provided, single submitter. Criteria: GeneDx Variant Classification (06012015). Collection method: clinical testing. Allele origin: germline. Affected: yes.
Comment: A variant of uncertain significance has been identified in the JUP gene. The c.-42_-27del16 variant has not been published as pathogenic or been reported as benign to our knowledge. This variant is not observed at a significant frequency in large population cohorts (Lek et al., 2016). The c.-42_-27del16 variant is located in the 5' untranslated region of the JUP gene and in silico splicing algorithms are inconsistent in their predictions as to whether this variant creates a new splice donor site or results in abnormal gene splicing. Furthermore, no regulatory variants in the JUP gene have been reported in the Human Gene Mutation Database in association with disease (Stenson et al., 2014). In the absence of functional studies, the consequence of the c.-42_-27del16 variant cannot be precisely determined.

NM_002230.4(JUP):c.-42_-27del

Genes: JUP (junction plakoglobin; minus strand), LOC130060847 (ATAC-STARR-seq lymphoblastoid silent region 8499; plus strand). Cytogenetic location: 17q21.2.
Variant type: Deletion.
Coding change: c.-42_-27del on transcript NM_002230.4 (MANE Select); 42 bases upstream of the start codon through 27 bases upstream of the start codon, 16 bases deleted (ACCCCGACCCGGCCCG).
Molecular consequence: 5 prime UTR variant.
Genome position (GRCh38, 1-based): chr17:41,786,606-41,786,621, CGGGCCGGGTCGGGGT deleted on the plus strand (ACCCCGACCCGGCCCG on the coding strand, the reverse complement: JUP is on the minus strand); deleting any 16 consecutive bases within chr17:41,786,606-41,786,630 gives the same sequence; the c. name uses the placement nearest the transcript's 3' end. VCF-style (leftmost placement, unchanged base first): chr17-41786605-CCGGGCCGGGTCGGGGT-C. GRCh37 (hg19) VCF-style: chr17-39942857-CCGGGCCGGGTCGGGGT-C.
Other names: c.-64_-49del (NM_001352773.2); c.-39_-24del (NM_001352774.2); c.-61_-46del (NM_001352775.2); c.-151_-136del (NM_001352776.2); c.-42_-27del (NM_021991.4).
Identifiers: ClinVar variation 504089 (VCV000504089.1), dbSNP rs1284180333, ClinGen allele CA626018413.